The following is an entry in ClinVar:

ClinVar aggregate classification (germline): Uncertain significance (1 of 4 stars; one submission).

Submission:

Women's Health and Genetics/Laboratory Corporation of America, LabCorp
Classification: Uncertain significance. Last evaluated: 2020-08-17. Review status: criteria provided, single submitter. Criteria: LabCorp Variant Classification Summary - May 2015. Collection method: clinical testing. Allele origin: germline.
Comment: Variant summary: CACNA1C c.5574-13C>A alters a non-conserved nucleotide located close to a canonical splice site and therefore could affect mRNA splicing, leading to a significantly altered protein sequence. 4/4 computational tools predict no significant impact on normal splicing. However, these predictions have yet to be confirmed by functional studies. The variant was absent in 248606 control chromosomes. The available data on variant occurrences in the general population are insufficient to allow any conclusion about variant significance. To our knowledge, no occurrence of c.5574-13C>A in individuals affected with Timothy Syndrome and no experimental evidence demonstrating its impact on protein function have been reported. No clinical diagnostic laboratories have submitted clinical-significance assessments for this variant to ClinVar after 2014. Based on the evidence outlined above, the variant was classified as uncertain significance.

NM_000719.7(CACNA1C):c.5574-13C>A

Genes: CACNA1C (calcium voltage-gated channel subunit alpha1 C; plus strand), CACNA1C-AS1 (CACNA1C antisense RNA 1; minus strand). Cytogenetic location: 12p13.33.
Variant type: single nucleotide variant.
Coding change: c.5574-13C>A on transcript NM_000719.7 (MANE Select); 13 bases into the intron before coding-DNA position 5574, C replaced by A.
Molecular consequence: intron variant.
Genome position (GRCh38, 1-based): chr12:2,685,723, C>A. VCF-style: chr12-2685723-C-A. GRCh37 (hg19) VCF-style: chr12-2794889-C-A.
Other names: c.5679-13C>A (NM_001167624.3, NM_001129830.3); c.5574-13C>A (NM_001167623.2, NM_001129840.2, NM_001129842.2 and 2 more transcripts); c.5754-13C>A (NM_001167625.2); c.5823-13C>A (NM_199460.4); c.5718-13C>A (NM_001129827.2); c.5634-13C>A (NM_001129832.2); c.5658-13C>A (NM_001129831.2); c.5631-13C>A (NM_001129833.2, NM_001129834.2, NM_001129835.2); and 6 more.
Identifiers: ClinVar variation 977717 (VCV000977717.1), dbSNP rs1265215318, ClinGen allele CA1139662466.